The following is an entry in ClinVar:

NM_181303.2(NLGN3):c.450G>A (p.Thr150=)

Gene: NLGN3 (neuroligin 3; plus strand). Cytogenetic location: Xq13.1.
Variant type: single nucleotide variant.
Coding change: c.450G>A on transcript NM_181303.2 (MANE Select); coding-DNA position 450, G replaced by A.
Protein change: p.Thr150=; no amino-acid change (threonine 150 retained).
Molecular consequence: synonymous variant.
Genome position (GRCh38, 1-based): chrX:71,148,199, G>A. VCF-style: chrX-71148199-G-A. GRCh37 (hg19) VCF-style: chrX-70368049-G-A.
Other names: c.450G>A, p.Thr150= (NM_001166660.2, NM_018977.4); c.99G>A, p.Thr33= (NM_001321276.2, NM_001437941.1, NM_001438296.1 and 1 more transcripts).
Identifiers: ClinVar variation 5039866 (VCV005039866.1).

ClinVar aggregate classification (germline): Likely benign (1 of 4 stars; one submission).

gnomAD v4.1: 14 of 1,205,572 alleles (0.0012%); highest among the groups gnomAD compares: Admixed American, 0.02%; no homozygotes.

Submission:

CeGaT Center for Human Genetics Tuebingen
Classification: Likely benign. Last evaluated: 2026-09-01. Review status: criteria provided, single submitter. Criteria: CeGaT Center For Human Genetics Tuebingen Variant Classification Criteria Version 2. Collection method: clinical testing. Allele origin: germline. Affected: yes. Observed: 2 variant alleles.
Comment: NLGN3: BP4, BP7, BS2